The following is an entry in ClinVar:

ClinVar aggregate classification (germline): Pathogenic (1 of 4 stars; one submission).

Submission:

Labcorp Genetics (formerly Invitae), Labcorp
Classification: Pathogenic. Last evaluated: 2024-08-29. Review status: criteria provided, single submitter. Criteria: Invitae Variant Classification Sherloc (09022015). Collection method: clinical testing. Allele origin: germline.
Comment: This sequence change replaces histidine, which is basic and polar, with tyrosine, which is neutral and polar, at codon 533 of the AUTS2 protein (p.His533Tyr). This variant is not present in population databases (gnomAD no frequency). This missense change has been observed in individual(s) with AUTS2-related conditions (internal data). In at least one individual the variant was observed to be de novo. Invitae Evidence Modeling of protein sequence and biophysical properties (such as structural, functional, and spatial information, amino acid conservation, physicochemical variation, residue mobility, and thermodynamic stability) indicates that this missense variant is expected to disrupt AUTS2 protein function with a positive predictive value of 95%. For these reasons, this variant has been classified as Pathogenic.

NM_015570.4(AUTS2):c.1597C>T (p.His533Tyr)

Gene: AUTS2 (activator of transcription and developmental regulator AUTS2; plus strand). Cytogenetic location: 7q11.22.
Variant type: single nucleotide variant.
Coding change: c.1597C>T on transcript NM_015570.4 (MANE Select); coding-DNA position 1597, C replaced by T.
Protein change: p.His533Tyr; replaces histidine 533 with tyrosine.
Molecular consequence: missense variant.
Genome position (GRCh38, 1-based): chr7:70,766,242, C>T. VCF-style: chr7-70766242-C-T. GRCh37 (hg19) VCF-style: chr7-70231228-C-T.
Other names: c.1597C>T, p.His533Tyr (NM_001127231.3); short protein forms H533Y.
Identifiers: ClinVar variation 3652882 (VCV003652882.2).